The following is an entry in ClinVar:

ClinVar aggregate classification (germline): Likely benign (1 of 4 stars; one submission).

Allele frequency attached by ClinVar (database versions not stated): TOPMed 0.00001; gnomAD 0.00003; gnomAD exomes 0.00004.
gnomAD v4.1: 21 of 646,576 alleles (0.0032%); highest among the groups gnomAD compares: Non-Finnish European, 0.0052%; no homozygotes.

Submission:

CeGaT Center for Human Genetics Tuebingen
Classification: Likely benign. Last evaluated: 2022-07-01. Review status: criteria provided, single submitter. Criteria: CeGaT Center For Human Genetics Tuebingen Variant Classification Criteria Version 2. Collection method: clinical testing. Allele origin: germline. Affected: yes. Observed: 1 variant allele.
Comment: CEP104: BP4, BP7

NM_014704.4(CEP104):c.*140G>A

Gene: CEP104 (centrosomal protein 104; minus strand). Cytogenetic location: 1p36.32.
Variant type: single nucleotide variant.
Coding change: c.*140G>A on transcript NM_014704.4 (MANE Select); 140 bases downstream of the stop codon, G replaced by A.
Molecular consequence: 3 prime UTR variant.
Genome position (GRCh38, 1-based): chr1:3,815,262, C>T on the plus strand (G>A on the coding strand, the complement: CEP104 is on the minus strand). VCF-style: chr1-3815262-C-T. GRCh37 (hg19) VCF-style: chr1-3731826-C-T.
Identifiers: ClinVar variation 2638108 (VCV002638108.24), dbSNP rs929850398, ClinGen allele CA17059416.